The following is an entry in ClinVar:

ClinVar aggregate classification (germline): Uncertain significance (1 of 4 stars; one submission).

gnomAD v4.1: 1 of 1,613,458 alleles (0.000062%); highest among the groups gnomAD compares: Non-Finnish European, 0.000085%; no homozygotes.

Submission:

Labcorp Genetics (formerly Invitae), Labcorp
Classification: Uncertain significance. Last evaluated: 2022-07-11. Review status: criteria provided, single submitter. Criteria: Invitae Variant Classification Sherloc (09022015). Collection method: clinical testing. Allele origin: germline.
Comment: This sequence change falls in intron 17 of the CAD gene. It does not directly change the encoded amino acid sequence of the CAD protein. It affects a nucleotide within the consensus splice site. This variant is not present in population databases (gnomAD no frequency). This variant has not been reported in the literature in individuals affected with CAD-related conditions. ClinVar contains an entry for this variant (Variation ID: 1465959). Variants that disrupt the consensus splice site are a relatively common cause of aberrant splicing (PMID: 17576681, 9536098). Algorithms developed to predict the effect of sequence changes on RNA splicing suggest that this variant is not likely to affect RNA splicing. In summary, the available evidence is currently insufficient to determine the role of this variant in disease. Therefore, it has been classified as a Variant of Uncertain Significance.

Literature cited by the submitters: PubMed 17576681; PubMed 9536098.

NM_004341.5(CAD):c.2645+3C>T

Genes: CAD (carbamoyl-phosphate synthetase 2, aspartate transcarbamylase, and dihydroorotase; plus strand), LOC126806171 (BRD4-independent group 4 enhancer GRCh37_chr2:27454350-27455549; plus strand). Cytogenetic location: 2p23.3.
Variant type: single nucleotide variant.
Coding change: c.2645+3C>T on transcript NM_004341.5 (MANE Select); 3 bases into the intron after coding-DNA position 2645, C replaced by T.
Molecular consequence: intron variant.
Genome position (GRCh38, 1-based): chr2:27,232,227, C>T. VCF-style: chr2-27232227-C-T. GRCh37 (hg19) VCF-style: chr2-27455095-C-T.
Other names: c.2456+3C>T (NM_001306079.2).
Identifiers: ClinVar variation 1465959 (VCV001465959.3), dbSNP rs2148076537, ClinGen allele CA2573134400.